The following is an entry in ClinVar:

NM_004946.3(DOCK2):c.5074G>A (p.Glu1692Lys)

Gene: DOCK2 (dedicator of cytokinesis 2; plus strand). Cytogenetic location: 5q35.1.
Variant type: single nucleotide variant.
Coding change: c.5074G>A on transcript NM_004946.3 (MANE Select); coding-DNA position 5074, G replaced by A.
Protein change: p.Glu1692Lys; replaces glutamic acid 1692 with lysine.
Molecular consequence: missense variant. On other transcripts: non-coding transcript variant (1).
Genome position (GRCh38, 1-based): chr5:170,079,054, G>A. VCF-style: chr5-170079054-G-A. GRCh37 (hg19) VCF-style: chr5-169506058-G-A.
Other names: short protein forms E1692K.
Identifiers: ClinVar variation 951084 (VCV000951084.7), dbSNP rs373978300, ClinGen allele CA3554759.

ClinVar aggregate classification (germline): Uncertain significance (1 of 4 stars; one submission).

Conditions:
DOCK2 deficiency. Also called: Immunodeficiency 40. Identifiers: Orphanet 447737, MedGen C4225328, MONDO:0014637, OMIM 616433.

Allele frequency attached by ClinVar (database versions not stated): ExAC 0.00001; TOPMed 0.00003; gnomAD 0.00004; ESP Exome Variant Server 0.00008.
gnomAD v4.1: 18 of 1,614,052 alleles (0.0011%); highest among the groups gnomAD compares: African/African-American, 0.02%; no homozygotes.

Submission:

Labcorp Genetics (formerly Invitae), Labcorp
Classification: Uncertain significance for DOCK2 deficiency. Last evaluated: 2021-09-01. Review status: criteria provided, single submitter. Criteria: Invitae Variant Classification Sherloc (09022015). Collection method: clinical testing. Allele origin: germline.
Comment: This sequence change replaces glutamic acid with lysine at codon 1692 of the DOCK2 protein (p.Glu1692Lys). The glutamic acid residue is moderately conserved and there is a small physicochemical difference between glutamic acid and lysine. This variant is present in population databases (rs373978300, ExAC 0.01%). This variant has not been reported in the literature in individuals affected with DOCK2-related conditions. Algorithms developed to predict the effect of missense changes on protein structure and function (SIFT, PolyPhen-2, Align-GVGD) all suggest that this variant is likely to be tolerated. In summary, the available evidence is currently insufficient to determine the role of this variant in disease. Therefore, it has been classified as a Variant of Uncertain Significance.